The following is an entry in ClinVar:

ClinVar aggregate classification (germline): Conflicting classifications of pathogenicity. Review status: criteria provided, conflicting classifications (1 of 4 stars). 2 submissions from 2 submitters: Uncertain significance (1); Benign (1). Last evaluated 2024-08-07.

Conditions:
Primary ciliary dyskinesia. Also called: Ciliary dyskinesia. Identifiers: Orphanet 244, MedGen C0008780, MONDO:0016575, HP:0012265.

Allele frequency attached by ClinVar (database versions not stated): TOPMed 0.00001; ExAC 0.00002; gnomAD 0.00002; gnomAD exomes 0.00002; ESP Exome Variant Server 0.00008.
gnomAD v4.1: 34 of 1,613,216 alleles (0.0021%); highest among the groups gnomAD compares: Non-Finnish European, 0.0028%; no homozygotes.

Submissions (2):

Ambry Genetics
Classification: Uncertain significance for Primary ciliary dyskinesia. Last evaluated: 2024-08-07. Review status: criteria provided, single submitter. Criteria: Ambry Variant Classification Scheme 2023. Collection method: clinical testing. Allele origin: germline.
Comment: The p.L1189P variant (also known as c.3566T>C), located in coding exon 18 of the DNAH11 gene, results from a T to C substitution at nucleotide position 3566. The leucine at codon 1189 is replaced by proline, an amino acid with similar properties. This amino acid position is conserved. In addition, the in silico prediction for this alteration is inconclusive. Based on the available evidence, the clinical significance of this variant remains unclear.

Labcorp Genetics (formerly Invitae), Labcorp
Classification: Benign for Primary ciliary dyskinesia. Last evaluated: 2024-01-29. Review status: criteria provided, single submitter. Criteria: Invitae Variant Classification Sherloc (09022015). Collection method: clinical testing. Allele origin: germline.

NM_001277115.2(DNAH11):c.3566T>C (p.Leu1189Pro)

Gene: DNAH11 (dynein axonemal heavy chain 11; plus strand). Cytogenetic location: 7p15.3.
Variant type: single nucleotide variant.
Coding change: c.3566T>C on transcript NM_001277115.2 (MANE Select); coding-DNA position 3566, T replaced by C.
Protein change: p.Leu1189Pro; replaces leucine 1189 with proline.
Molecular consequence: missense variant.
Genome position (GRCh38, 1-based): chr7:21,601,536, T>C. VCF-style: chr7-21601536-T-C. GRCh37 (hg19) VCF-style: chr7-21641154-T-C.
Other names: c.3566T>C, p.Leu1189Pro (NM_003777.3); short protein forms L1189P.
Identifiers: ClinVar variation 2228482 (VCV002228482.6), dbSNP rs372526334, ClinGen allele CA4179671.
Genomic context (GRCh38, chr7:21,601,536, plus strand): 5'-TAGTTGACATCATGGTGCATCTTCTGGCTGTAAGAAGCCGACAGAGAGCTACTGATGAAC[T>C]CTTTGAACCTCTAAAAGAAACGATCACCCTCTTGGAAAGCTATGGCCAGAAGATGCCTGA-3'
Protein context (NP_001264044.1, residues 1179-1199): VRSRQRATDE[Leu1189Pro]FEPLKETITL